The following is an entry in ClinVar:

NM_021930.6(RINT1):c.2306T>G (p.Ile769Ser)

Genes: EFCAB10 (EF-hand calcium binding domain 10; minus strand), RINT1 (RAD50 interactor 1; plus strand). Cytogenetic location: 7q22.3.
Variant type: single nucleotide variant.
Coding change: c.2306T>G on transcript NM_021930.6 (MANE Select); coding-DNA position 2306, T replaced by G.
Protein change: p.Ile769Ser; replaces isoleucine 769 with serine.
Molecular consequence: missense variant. On other transcripts: 3 prime UTR variant (2), non-coding transcript variant (1), intron variant (3).
Genome position (GRCh38, 1-based): chr7:105,567,238, T>G. VCF-style: chr7-105567238-T-G. GRCh37 (hg19) VCF-style: chr7-105207685-T-G.
Other names: c.*216A>C (NM_001355527.2, NM_001355529.2); c.2072T>G, p.Ile691Ser (NM_001346599.2); c.1283T>G, p.Ile428Ser (NM_001346600.2, NM_001346603.2); c.1382T>G, p.Ile461Ser (NM_001346601.2); c.360-1791A>C (NM_001355531.2); c.383+229A>C (NM_001355526.2, NM_001355530.2); short protein forms I461S, I691S, I769S, I428S.
Identifiers: ClinVar variation 2625525 (VCV002625525.3), dbSNP rs1461623557, ClinGen allele CA368815600.

ClinVar aggregate classification (germline): Uncertain significance (1 of 4 stars; one submission).

Allele frequency attached by ClinVar (database versions not stated): TOPMed below 0.00001.

Submission:

Ambry Genetics
Classification: Uncertain significance. Last evaluated: 2025-09-20. Review status: criteria provided, single submitter. Criteria: Ambry Variant Classification Scheme 2023. Collection method: clinical testing. Allele origin: germline.
Comment: The p.I769S variant (also known as c.2306T>G), located in coding exon 15 of the RINT1 gene, results from a T to G substitution at nucleotide position 2306. The isoleucine at codon 769 is replaced by serine, an amino acid with dissimilar properties. This amino acid position is conserved. In addition, the in silico prediction for this alteration is inconclusive. Since supporting evidence is limited at this time, the clinical significance of this alteration remains unclear.